The following is an entry in ClinVar:

ClinVar aggregate classification (germline): Uncertain significance (1 of 4 stars; one submission).

gnomAD v4.1: 5 of 1,613,636 alleles (0.00031%); highest among the groups gnomAD compares: Admixed American, 0.0017%; no homozygotes.

Submission:

Labcorp Genetics (formerly Invitae), Labcorp
Classification: Uncertain significance. Last evaluated: 2022-07-19. Review status: criteria provided, single submitter. Criteria: Invitae Variant Classification Sherloc (09022015). Collection method: clinical testing. Allele origin: germline.
Comment: This sequence change replaces glycine, which is neutral and non-polar, with alanine, which is neutral and non-polar, at codon 2006 of the ADGRV1 protein (p.Gly2006Ala). This variant is present in population databases (no rsID available, gnomAD 0.002%). This variant has not been reported in the literature in individuals affected with ADGRV1-related conditions. ClinVar contains an entry for this variant (Variation ID: 1436045). Algorithms developed to predict the effect of missense changes on protein structure and function are either unavailable or do not agree on the potential impact of this missense change (SIFT: "Deleterious"; PolyPhen-2: "Probably Damaging"; Align-GVGD: "Class C0"). In summary, the available evidence is currently insufficient to determine the role of this variant in disease. Therefore, it has been classified as a Variant of Uncertain Significance.

NM_032119.4(ADGRV1):c.6017G>C (p.Gly2006Ala)

Gene: ADGRV1 (adhesion G protein-coupled receptor V1; plus strand). Cytogenetic location: 5q14.3.
Variant type: single nucleotide variant.
Coding change: c.6017G>C on transcript NM_032119.4 (MANE Select); coding-DNA position 6017, G replaced by C.
Protein change: p.Gly2006Ala; replaces glycine 2006 with alanine.
Molecular consequence: missense variant. On other transcripts: non-coding transcript variant (1).
Genome position (GRCh38, 1-based): chr5:90,683,938, G>C. VCF-style: chr5-90683938-G-C. GRCh37 (hg19) VCF-style: chr5-89979755-G-C.
Other names: short protein forms G2006A.
Identifiers: ClinVar variation 1436045 (VCV001436045.3), dbSNP rs768201036, ClinGen allele CA360413954.